The following is an entry in ClinVar:

NM_001368894.2(PAX6):c.78del (p.Gln27fs)

Gene: PAX6 (paired box 6; minus strand). Cytogenetic location: 11p13.
Variant type: Deletion.
Coding change: c.78del on transcript NM_001368894.2 (MANE Select); coding-DNA position 78, one base deleted (G; older notation c.78delG).
Protein change: p.Gln27fs; shifts the reading frame from glutamine 27.
Molecular consequence: frameshift variant. On other transcripts: 5 prime UTR variant (12), non-coding transcript variant (2), intron variant (2).
Genome position (GRCh38, 1-based): chr11:31,802,767, C deleted on the plus strand (G on the coding strand, the reverse complement: PAX6 is on the minus strand); the first of 2 consecutive C bases (chr11:31,802,767-31,802,768); deleting either gives the same sequence. VCF-style (leftmost placement, unchanged base first): chr11-31802766-GC-G. GRCh37 (hg19) VCF-style: chr11-31824314-GC-G.
Other names: c.78delG (NM_000280.4); c.78del, p.Gln27fs (NM_000280.6, NM_001127612.3, NM_001258462.3 and 30 more transcripts); c.-704del (NM_001310160.2, NM_001368905.2); c.-373del (NM_001310161.3, NM_001368900.2, NM_001368903.2 and 2 more transcripts); c.-331del (NM_001368899.2, NM_001368901.2, NM_001368906.2 and 1 more transcripts); c.-662del (NM_001368902.2); c.321del, p.Gln108fs (NM_001368910.2); c.81del, p.Gln28fs (NM_001368911.2); and 1 more; short protein forms Q108fs, Q27fs, Q28fs.
Identifiers: ClinVar variation 430974 (VCV000430974.9), dbSNP rs1131692286, ClinGen allele CA645372146.

ClinVar aggregate classification (germline): Pathogenic. Review status: criteria provided, single submitter (1 of 4 stars). 2 submissions from 2 submitters: Pathogenic (1). 1 of the submissions does not count toward it. Last evaluated 2018-09-19.

Conditions:
Aniridia 1 (AN1). Identifiers: Orphanet 250923, MedGen C0344542, MONDO:0024507, OMIM 106210.
Irido-corneo-trabecular dysgenesis (ASGD5). Also called: ANTERIOR SEGMENT DYSGENESIS 5. Identifiers: Orphanet 708, MedGen C0344559, MONDO:0011414, OMIM 604229, HP:0000659.

Submissions (2):

Labcorp Genetics (formerly Invitae), Labcorp
Classification: Pathogenic for Aniridia 1; Irido-corneo-trabecular dysgenesis. Last evaluated: 2018-09-19. Review status: criteria provided, single submitter. Criteria: Invitae Variant Classification Sherloc (09022015). Collection method: clinical testing. Allele origin: germline.
Comment: A different variant (c.80delA) giving rise to the same protein effect observed here (p.Gln27Argfs*4) has been determined to be pathogenic (PMID: 10737978). This suggests that this variant is also likely to be causative of disease. This variant has been observed to be de novo in an individual affected with aniridia (PMID: 28321846). ClinVar contains an entry for this variant (Variation ID: 430974). This variant is not present in population databases (ExAC no frequency). This sequence change creates a premature translational stop signal (p.Gln27Argfs*4) in the PAX6 gene. It is expected to result in an absent or disrupted protein product. Loss-of-function variants in PAX6 are known to be pathogenic (PMID: 12634864). For these reasons, this variant has been classified as Pathogenic.

Laboratory of Genetic Epidemiology, Research Centre for Medical Genetics
Classification: Pathogenic for Aniridia 1. Review status: no assertion criteria provided. Collection method: research. Allele origin: de novo. Inheritance: Autosomal dominant inheritance. Affected: yes. Observed: 1 heterozygote. Not counted in ClinVar's aggregate classification.

Literature cited by the submitters: PubMed 10737978 (cited by Labcorp Genetics (formerly Invitae), Labcorp); PubMed 28321846 (cited by Labcorp Genetics (formerly Invitae), Labcorp and Laboratory of Genetic Epidemiology, Research Centre for Medical Genetics); PubMed 12634864 (cited by Labcorp Genetics (formerly Invitae), Labcorp).